The following is an entry in ClinVar:

NM_001322934.2(NFKB2):c.2549C>T (p.Pro850Leu)

Gene: NFKB2 (nuclear factor kappa B subunit 2; plus strand). Cytogenetic location: 10q24.32.
Variant type: single nucleotide variant.
Coding change: c.2549C>T on transcript NM_001322934.2 (MANE Select); coding-DNA position 2549, C replaced by T.
Protein change: p.Pro850Leu; replaces proline 850 with leucine.
Molecular consequence: missense variant.
Genome position (GRCh38, 1-based): chr10:102,402,130, C>T. VCF-style: chr10-102402130-C-T. GRCh37 (hg19) VCF-style: chr10-104161887-C-T.
Other names: c.2549C>T, p.Pro850Leu (NM_001077494.3, NM_001261403.3, NM_001288724.1 and 1 more transcripts); c.2423C>T, p.Pro808Leu (NM_001322935.1); c.2549C>T (NM_001077494.1); short protein forms P850L, P808L.
Identifiers: ClinVar variation 1035469 (VCV001035469.9), dbSNP rs373030358, ClinGen allele CA5665111.

ClinVar aggregate classification (germline): Uncertain significance. Review status: criteria provided, multiple submitters, no conflicts (2 of 4 stars). 2 submissions from 2 submitters: Uncertain significance (2). Last evaluated 2025-05-06.

Conditions:
Immunodeficiency, common variable, 10. Also called: IMMUNODEFICIENCY, COMMON VARIABLE, WITH CENTRAL ADRENAL INSUFFICIENCY; DEFICIT IN ANTERIOR PITUITARY FUNCTION AND VARIABLE IMMUNODEFICIENCY. Identifiers: MedGen C3809991, MONDO:0014260, OMIM 615577.
Inborn genetic diseases. Identifiers: MedGen C0950123, MeSH D030342.

Allele frequency attached by ClinVar (database versions not stated): gnomAD exomes below 0.00001; TOPMed below 0.00001; ExAC 0.00007; ESP Exome Variant Server 0.00008.
gnomAD v4.1: 6 of 1,578,822 alleles (0.00038%); highest among the groups gnomAD compares: Non-Finnish European, 0.00052%; no homozygotes.

Submissions (2):

Ambry Genetics
Classification: Uncertain significance for Inborn genetic diseases. Last evaluated: 2025-05-06. Review status: criteria provided, single submitter. Criteria: Ambry Variant Classification Scheme 2023. Collection method: clinical testing. Allele origin: germline.

Labcorp Genetics (formerly Invitae), Labcorp
Classification: Uncertain significance for Immunodeficiency, common variable, 10. Last evaluated: 2025-02-07. Review status: criteria provided, single submitter. Criteria: Invitae Variant Classification Sherloc (09022015). Collection method: clinical testing. Allele origin: germline.
Comment: This sequence change replaces proline, which is neutral and non-polar, with leucine, which is neutral and non-polar, at codon 850 of the NFKB2 protein (p.Pro850Leu). The frequency data for this variant in the population databases is considered unreliable, as metrics indicate poor data quality at this position in the gnomAD database. This variant has not been reported in the literature in individuals affected with NFKB2-related conditions. ClinVar contains an entry for this variant (Variation ID: 1035469). An algorithm developed to predict the effect of missense changes on protein structure and function (PolyPhen-2) suggests that this variant is likely to be disruptive. In summary, the available evidence is currently insufficient to determine the role of this variant in disease. Therefore, it has been classified as a Variant of Uncertain Significance.